The following is an entry in ClinVar:

ClinVar aggregate classification (germline): Pathogenic. Review status: criteria provided, multiple submitters, no conflicts (2 of 4 stars). 4 submissions from 4 submitters: Pathogenic (4). Last evaluated 2023-08-15.

Conditions:
Hereditary cancer-predisposing syndrome. Also called: Hereditary neoplastic syndrome; Hereditary Cancer Syndrome; Neoplastic Syndromes, Hereditary; Tumor predisposition. Identifiers: Orphanet 140162, MedGen C0027672, MeSH D009386, MONDO:0015356.
Hereditary nonpolyposis colorectal neoplasms. Identifiers: MedGen C0009405, MeSH D003123.
Lynch syndrome. Identifiers: Orphanet 144, MedGen C4552100, MONDO:0005835. Disease mechanism: loss of function.
Lynch syndrome 5 (LYNCH5). Also called: Hereditary non-polyposis colorectal cancer, type 5; Colorectal cancer, hereditary nonpolyposis, type 5. Identifiers: Orphanet 144, MedGen C1833477, MONDO:0013710, OMIM 614350. Disease mechanism: loss of function.

Submissions (4):

Myriad Genetics, Inc.
Classification: Pathogenic for Lynch syndrome 5. Last evaluated: 2023-08-15. Review status: criteria provided, single submitter. Criteria: Myriad Autosomal Dominant, Autosomal Recessive and X-Linked Classification Criteria (2023). Collection method: clinical testing. Allele origin: unknown.
Comment: This variant is considered pathogenic. This variant creates a frameshift predicted to result in premature protein truncation.

Ambry Genetics
Classification: Pathogenic for Hereditary cancer-predisposing syndrome. Last evaluated: 2023-03-15. Review status: criteria provided, single submitter. Criteria: Ambry Variant Classification Scheme 2023. Collection method: clinical testing. Allele origin: germline.
Comment: The c.1645delT pathogenic mutation, located in coding exon 4 of the MSH6 gene, results from a deletion of one nucleotide at nucleotide position 1645, causing a translational frameshift with a predicted alternate stop codon (p.S549Lfs*22). This alteration is expected to result in loss of function by premature protein truncation or nonsense-mediated mRNA decay. This variant is considered to be rare based on population cohorts in the Genome Aggregation Database (gnomAD). As such, this alteration is interpreted as a disease-causing mutation.

Labcorp Genetics (formerly Invitae), Labcorp
Classification: Pathogenic for Hereditary nonpolyposis colorectal neoplasms. Last evaluated: 2019-10-12. Review status: criteria provided, single submitter. Criteria: Invitae Variant Classification Sherloc (09022015). Collection method: clinical testing. Allele origin: germline.
Comment: This sequence change creates a premature translational stop signal (p.Ser549Leufs*22) in the MSH6 gene. It is expected to result in an absent or disrupted protein product. This variant is not present in population databases (ExAC no frequency). This variant has not been reported in the literature in individuals with MSH6-related conditions. ClinVar contains an entry for this variant (Variation ID: 234464). Loss-of-function variants in MSH6 are known to be pathogenic (PMID: 18269114, 24362816). For these reasons, this variant has been classified as Pathogenic.

GeneDx
Classification: Pathogenic. Last evaluated: 2015-11-24. Review status: criteria provided, single submitter. Criteria: GeneDx Variant Classification (06012015). Collection method: clinical testing. Allele origin: germline. Affected: yes.
Comment: This deletion of one nucleotide in MSH6 is denoted c.1645delT at the cDNA level and p.Ser549LeufsX22 (S549LfsX22) at the protein level. The normal sequence, with the base that is deleted in brackets, is AGAT[T]CTTC. The deletion causes a frameshift, which changes a Serine to a Leucine at codon 549, and creates a premature stop codon at position 22 of the new reading frame. Although this variant has not, to our knowledge, been reported in the literature, it is predicted to cause loss of normal protein function through either protein truncation or nonsense-mediated mRNA decay. We consider this variant to be pathogenic.

Literature cited by the submitters: PubMed 18269114 (cited by Labcorp Genetics (formerly Invitae), Labcorp); PubMed 24362816 (cited by Labcorp Genetics (formerly Invitae), Labcorp).

NM_000179.3(MSH6):c.1645del (p.Ser549fs)

Gene: MSH6 (mutS homolog 6; plus strand). Cytogenetic location: 2p16.3.
Variant type: Deletion.
Coding change: c.1645del on transcript NM_000179.3 (MANE Select); coding-DNA position 1645, one base deleted (T; older notation c.1645delT).
Protein change: p.Ser549fs; shifts the reading frame from serine 549.
Molecular consequence: frameshift variant.
Genome position (GRCh38, 1-based): chr2:47,799,628, T deleted; the last of 2 consecutive T bases (chr2:47,799,627-47,799,628); deleting either gives the same sequence. VCF-style (leftmost placement, unchanged base first): chr2-47799626-AT-A. GRCh37 (hg19) VCF-style: chr2-48026765-AT-A.
Other names: c.1255del, p.Ser419fs (NM_001281492.2); c.739del, p.Ser247fs (NM_001281493.2, NM_001281494.2); c.1645delT (NM_000179.2); short protein forms S247fs, S549fs, S419fs.
Identifiers: ClinVar variation 234464 (VCV000234464.15), dbSNP rs876661033, ClinGen allele CA10577262.
Genomic context (GRCh38, chr2:47,799,626, plus strand): 5'-AAGGTGATCCCTCTGAGAACTACAGTAAGTATCTTCTTAGCCTCAAAGAAAAAGAGGAAG[AT>A]TCTTCTGGCCATACTCGTGCATATGGTGTGTGCTTTGTTGATACTTCACTGGGAAAGTTT-3'